The following is an entry in ClinVar:

NM_052947.4(ALPK2):c.3704A>T (p.Lys1235Met)

Genes: ALPK2 (alpha kinase 2; minus strand), LOC126862764 (BRD4-independent group 4 enhancer GRCh37_chr18:56202574-56203773; plus strand). Cytogenetic location: 18q21.31.
Variant type: single nucleotide variant.
Coding change: c.3704A>T on transcript NM_052947.4 (MANE Select); coding-DNA position 3704, A replaced by T.
Protein change: p.Lys1235Met; replaces lysine 1235 with methionine.
Molecular consequence: missense variant.
Genome position (GRCh38, 1-based): chr18:58,536,483, T>A on the plus strand (A>T on the coding strand, the complement: ALPK2 is on the minus strand). VCF-style: chr18-58536483-T-A. GRCh37 (hg19) VCF-style: chr18-56203715-T-A.
Other names: short protein forms K1235M.
Identifiers: ClinVar variation 1734127 (VCV001734127.2), dbSNP rs1483087448, ClinGen allele CA402565975.

ClinVar aggregate classification (germline): Uncertain significance (1 of 4 stars; one submission).

Allele frequency attached by ClinVar (database versions not stated): gnomAD 0.00001; gnomAD exomes 0.00001; TOPMed 0.00001.
gnomAD v4.1: 14 of 1,613,916 alleles (0.00087%); highest among the groups gnomAD compares: Non-Finnish European, 0.0012%; no homozygotes.

Submission:

Ambry Genetics
Classification: Uncertain significance. Last evaluated: 2022-10-20. Review status: criteria provided, single submitter. Criteria: Ambry Variant Classification Scheme 2023. Collection method: clinical testing. Allele origin: germline.
Comment: The p.K1235M variant (also known as c.3704A>T), located in coding exon 4 of the ALPK2 gene, results from an A to T substitution at nucleotide position 3704. The lysine at codon 1235 is replaced by methionine, an amino acid with similar properties. This amino acid position is conserved. In addition, this alteration is predicted to be tolerated by in silico analysis. Since supporting evidence is limited at this time, the clinical significance of this alteration remains unclear.